The following is an entry in ClinVar:

NM_020461.4(TUBGCP6):c.910C>A (p.Pro304Thr)

Gene: TUBGCP6 (tubulin gamma complex component 6; minus strand). Cytogenetic location: 22q13.33.
Variant type: single nucleotide variant.
Coding change: c.910C>A on transcript NM_020461.4 (MANE Select); coding-DNA position 910, C replaced by A.
Protein change: p.Pro304Thr; replaces proline 304 with threonine.
Molecular consequence: missense variant.
Genome position (GRCh38, 1-based): chr22:50,233,522, G>T on the plus strand (C>A on the coding strand, the complement: TUBGCP6 is on the minus strand). VCF-style: chr22-50233522-G-T. GRCh37 (hg19) VCF-style: chr22-50671951-G-T.
Other names: short protein forms P304T.
Identifiers: ClinVar variation 863201 (VCV000863201.9), dbSNP rs369920205, ClinGen allele CA325474431.

ClinVar aggregate classification (germline): Uncertain significance (1 of 4 stars; one submission).

Allele frequency attached by ClinVar (database versions not stated): gnomAD 0.00001; TOPMed 0.00002.
gnomAD v4.1: 4 of 1,602,914 alleles (0.00025%); highest among the groups gnomAD compares: Non-Finnish European, 0.00034%; no homozygotes.

Submission:

Labcorp Genetics (formerly Invitae), Labcorp
Classification: Uncertain significance. Last evaluated: 2019-12-06. Review status: criteria provided, single submitter. Criteria: Invitae Variant Classification Sherloc (09022015). Collection method: clinical testing. Allele origin: germline.
Comment: This sequence change replaces proline with threonine at codon 304 of the TUBGCP6 protein (p.Pro304Thr). The proline residue is moderately conserved and there is a small physicochemical difference between proline and threonine. This variant is not present in population databases (ExAC no frequency). In summary, the available evidence is currently insufficient to determine the role of this variant in disease. Therefore, it has been classified as a Variant of Uncertain Significance. Algorithms developed to predict the effect of missense changes on protein structure and function are either unavailable or do not agree on the potential impact of this missense change (SIFT: "Tolerated"; PolyPhen-2: "Probably Damaging"; Align-GVGD: "Class C0"). This variant has not been reported in the literature in individuals with TUBGCP6-related conditions.